The following is an entry in ClinVar:

ClinVar aggregate classification (germline): Uncertain significance (1 of 4 stars; one submission).

Conditions:
POMC-related disorder. Also called: POMC-related condition; POMC-related disorders.

Submission:

PreventionGenetics, part of Exact Sciences
Classification: Uncertain significance for POMC-related condition. Last evaluated: 2026-04-28. Review status: criteria provided, single submitter. Criteria: ACMG Guidelines, 2015. Collection method: clinical testing. Allele origin: germline.
Comment: The POMC c.73C>G variant is predicted to result in the amino acid substitution p.Arg25Gly. To our knowledge, this variant has not been reported in the literature or in a large population database (gnomAD), indicating this variant is rare. In vitro functional studies showed function similar to wild-type levels (Supplemental Data Set, Shah et al. 2023. PubMed ID: 36864747). At this time, the clinical significance of this variant is uncertain due to the absence of conclusive functional and genetic evidence.

NM_000939.4(POMC):c.73C>G (p.Arg25Gly)

Gene: POMC (proopiomelanocortin; minus strand). Cytogenetic location: 2p23.3.
Variant type: single nucleotide variant.
Coding change: c.73C>G on transcript NM_000939.4 (MANE Select); coding-DNA position 73, C replaced by G.
Protein change: p.Arg25Gly; replaces arginine 25 with glycine.
Molecular consequence: missense variant.
Genome position (GRCh38, 1-based): chr2:25,164,700, G>C on the plus strand (C>G on the coding strand, the complement: POMC is on the minus strand). VCF-style: chr2-25164700-G-C. GRCh37 (hg19) VCF-style: chr2-25387569-G-C.
Other names: c.73C>G, p.Arg25Gly (NM_001035256.3, NM_001319204.2, NM_001319205.2); short protein forms R25G.
Identifiers: ClinVar variation 4986099 (VCV004986099.1).